The following is an entry in ClinVar:

ClinVar aggregate classification (germline): Uncertain significance (1 of 4 stars; one submission).

Conditions:
Hereditary diffuse gastric adenocarcinoma (HDGC). Also called: DIFFUSE GASTRIC AND LOBULAR BREAST CANCER SYNDROME. Identifiers: Orphanet 26106, MedGen C1708349, MONDO:0007648, OMIM 137215.

gnomAD v4.1: 46 of 1,509,548 alleles (0.003%); highest among the groups gnomAD compares: Non-Finnish European, 0.004%; no homozygotes.

Submission:

European Reference Network on Genetic Tumour Risk Syndromes (ERN-GENTURIS), i3s - Instituto de Investigação e Inovação em Saúde, University of Porto
Classification: Uncertain significance for Hereditary diffuse gastric adenocarcinoma. Last evaluated: 2022-08-01. Review status: criteria provided, single submitter. Criteria: Lee et al. (Hum Mutat. 2018). Collection method: clinical testing. Allele origin: germline. Inheritance: Autosomal dominant inheritance. Affected: no. Study: ERN GENTURIS.
Comment: PM2 (PMID: 30311375)

Literature cited by the submitters: PubMed 36436516.

NM_004360.5(CDH1):c.2296-60C>A

Gene: CDH1 (cadherin 1; plus strand). Cytogenetic location: 16q22.1.
Variant type: single nucleotide variant.
Coding change: c.2296-60C>A on transcript NM_004360.5 (MANE Select); 60 bases into the intron before coding-DNA position 2296, C replaced by A.
Molecular consequence: intron variant.
Genome position (GRCh38, 1-based): chr16:68,829,594, C>A. VCF-style: chr16-68829594-C-A. GRCh37 (hg19) VCF-style: chr16-68863497-C-A.
Other names: c.748-60C>A (NM_001317185.2); c.331-60C>A (NM_001317186.2); c.2113-60C>A (NM_001317184.2).
Identifiers: ClinVar variation 2502998 (VCV002502998.1), dbSNP rs766660171, ClinGen allele CA283318215.